The following is an entry in ClinVar:

NM_000069.3(CACNA1S):c.3255+3G>A

Gene: CACNA1S (calcium voltage-gated channel subunit alpha1 S; minus strand). Cytogenetic location: 1q32.1.
Variant type: single nucleotide variant.
Coding change: c.3255+3G>A on transcript NM_000069.3 (MANE Select); 3 bases into the intron after coding-DNA position 3255, G replaced by A.
Molecular consequence: intron variant.
Genome position (GRCh38, 1-based): chr1:201,061,264, C>T on the plus strand (G>A on the coding strand, the complement: CACNA1S is on the minus strand). VCF-style: chr1-201061264-C-T. GRCh37 (hg19) VCF-style: chr1-201030392-C-T.
Identifiers: ClinVar variation 3386332 (VCV003386332.1).
Genomic context (GRCh38, chr1:201,061,264, plus strand): 5'-GCTTGGGCCAGCAGGAGGCCTGCTGGAGCTCTGCCCTCCACCTCTGGCAGGCAGCCCAGG[C>T]ACCTGGTTCTTGTCCAGCTCACAGTTCTTGTACTCAGTCTCTCCCTGCTCCTGGAAGGTG-3'

ClinVar aggregate classification (germline): Uncertain significance (1 of 4 stars; one submission).

Conditions:
Malignant hyperthermia, susceptibility to, 5 (MHS5). Also called: CACNA1S-Related Malignant Hyperthermia Susceptibility. Identifiers: Orphanet 423, MedGen C1866077, MONDO:0011163, OMIM 601887.

gnomAD v4.1: 1 of 1,613,978 alleles (0.000062%); highest among the groups gnomAD compares: Non-Finnish European, 0.000085%; no homozygotes.

Submission:

All of Us Research Program, National Institutes of Health
Classification: Uncertain significance for Malignant hyperthermia, susceptibility to, 5. Last evaluated: 2024-09-23. Review status: criteria provided, single submitter. Criteria: ACMG Guidelines, 2015. Collection method: clinical testing. Allele origin: germline. Inheritance: Autosomal dominant inheritance. Observed: 2 variant alleles, 2 heterozygotes.
Comment: This variant causes a G to A nucleotide substitution at the +3 position of intron 25 of the CACNA1S gene. To our knowledge, functional studies have not been reported for this variant. This variant has not been reported in individuals affected with CACNA1S-related disorders in the literature. This variant has not been identified in the general population by the Genome Aggregation Database (gnomAD). The available evidence is insufficient to determine the role of this variant in disease conclusively. Therefore, this variant is classified as a Variant of Uncertain Significance.

This study involves interpretation of variants in research participants for the purpose of population health screening. Participant phenotype was not available at the time of variant classification. Additional details can be found in publication PMID: 35346344, PMCID: PMC8962531